The following is an entry in ClinVar:

ClinVar aggregate classification (germline): Conflicting classifications of pathogenicity. Review status: criteria provided, conflicting classifications (1 of 4 stars). 5 submissions from 5 submitters: Uncertain significance (3); Likely benign (1). 1 of the submissions does not count toward it. Last evaluated 2026-07-22.

Conditions:
Inborn genetic diseases. Identifiers: MedGen C0950123, MeSH D030342.
PKD1-related disorder. Also called: PKD1-related condition.

Allele frequency attached by ClinVar (database versions not stated): gnomAD exomes 0.00015; 1000 Genomes Project 30x 0.00031; ExAC 0.00031; 1000 Genomes Project 0.00040; gnomAD 0.00047; ESP Exome Variant Server 0.00064; TOPMed 0.00064.
gnomAD v4.1: 301 of 1,594,158 alleles (0.019%); highest among the groups gnomAD compares: African/African-American, 0.13%; 2 homozygotes.

Submissions (5):

GeneDx
Classification: Uncertain significance. Last evaluated: 2026-07-22. Review status: criteria provided, single submitter. Criteria: GeneDx Variant Classification Process June 2021. Collection method: clinical testing. Allele origin: germline.
Comment: In silico analysis supports that this missense variant has a deleterious effect on protein structure/function; Has not been previously published as pathogenic or benign to our knowledge

Women's Health and Genetics/Laboratory Corporation of America, LabCorp
Classification: Uncertain significance. Last evaluated: 2025-09-09. Review status: criteria provided, single submitter. Criteria: LabCorp Variant Classification Summary - May 2015. Collection method: clinical testing. Allele origin: germline.
Comment: Variant summary: PKD1 c.8060C>T (p.Thr2687Met) results in a non-conservative amino acid change in the encoded protein sequence. Algorithms developed to predict the effect of missense changes on protein structure and function are either unavailable or do not agree on the potential impact of this missense change. The variant allele was found at a frequency of 0.00021 in 159274 control chromosomes. This frequency is not significantly higher than estimated for disease-causing variants in PKD1, allowing no conclusion about variant significance. To our knowledge, no occurrence of c.8060C>T in individuals affected with PKD1-related conditions and no experimental evidence demonstrating its impact on protein function have been reported. ClinVar contains an entry for this variant (Variation ID: 2348418). Based on the evidence outlined above, the variant was classified as uncertain significance.

Ambry Genetics
Classification: Uncertain significance for Inborn genetic diseases. Last evaluated: 2024-10-29. Review status: criteria provided, single submitter. Criteria: Ambry Variant Classification Scheme 2023. Collection method: clinical testing. Allele origin: germline.

Blueprint Genetics
Classification: Likely benign. Last evaluated: 2024-07-19. Review status: criteria provided, single submitter. Criteria: ACMG Guidelines, 2015. Collection method: clinical testing. Allele origin: germline.

PreventionGenetics, part of Exact Sciences
Classification: Likely benign for PKD1-related condition. Last evaluated: 2022-06-28. Review status: no assertion criteria provided. Collection method: clinical testing. Allele origin: germline. Not counted in ClinVar's aggregate classification.
Comment: This variant is classified as likely benign based on ACMG/AMP sequence variant interpretation guidelines (Richards et al. 2015 PMID: 25741868, with internal and published modifications).

NM_001009944.3(PKD1):c.8060C>T (p.Thr2687Met)

Gene: PKD1 (polycystin 1, transient receptor potential channel interacting; minus strand). Cytogenetic location: 16p13.3.
Variant type: single nucleotide variant.
Coding change: c.8060C>T on transcript NM_001009944.3 (MANE Select); coding-DNA position 8060, C replaced by T.
Protein change: p.Thr2687Met; replaces threonine 2687 with methionine.
Molecular consequence: missense variant.
Genome position (GRCh38, 1-based): chr16:2,104,599, G>A on the plus strand (C>T on the coding strand, the complement: PKD1 is on the minus strand). VCF-style: chr16-2104599-G-A. GRCh37 (hg19) VCF-style: chr16-2154600-G-A.
Other names: c.8060C>T, p.Thr2687Met (NM_000296.4); short protein forms T2687M.
Identifiers: ClinVar variation 2348418 (VCV002348418.9), dbSNP rs148642998, ClinGen allele CA7830733.